The following is an entry in ClinVar:

NM_003119.4(SPG7):c.2365G>C (p.Glu789Gln)

Gene: SPG7 (SPG7 matrix AAA peptidase subunit, paraplegin; plus strand). Cytogenetic location: 16q24.3.
Variant type: single nucleotide variant.
Coding change: c.2365G>C on transcript NM_003119.4 (MANE Select); coding-DNA position 2365, G replaced by C.
Protein change: p.Glu789Gln; replaces glutamic acid 789 with glutamine.
Molecular consequence: missense variant. On other transcripts: 3 prime UTR variant (1).
Genome position (GRCh38, 1-based): chr16:89,557,070, G>C. VCF-style: chr16-89557070-G-C. GRCh37 (hg19) VCF-style: chr16-89623478-G-C.
Other names: c.*143G>C (NM_001363850.1); short protein forms E789Q.
Identifiers: ClinVar variation 2206225 (VCV002206225.5), dbSNP rs372033226, ClinGen allele CA8244660.

ClinVar aggregate classification (germline): Uncertain significance. Review status: criteria provided, multiple submitters, no conflicts (2 of 4 stars). 2 submissions from 2 submitters: Uncertain significance (2). Last evaluated 2025-07-05.

Conditions:
Inborn genetic diseases. Identifiers: MedGen C0950123, MeSH D030342.
Hereditary spastic paraplegia 7 (SPG7). Also called: Spastic paraplegia 7; Hereditary spastic paraplegia Paraplegin type; SPG7-related neurologic disorder; SPASTIC PARAPLEGIA 7, AUTOSOMAL RECESSIVE, WITH OR WITHOUT CEREBELLAR ATAXIA; Autosomal recessive spastic paraplegia type 7. Identifiers: Orphanet 99013, MedGen C1846564, MONDO:0011803, OMIM 607259.

Submissions (2):

Labcorp Genetics (formerly Invitae), Labcorp
Classification: Uncertain significance for Hereditary spastic paraplegia 7. Last evaluated: 2025-07-05. Review status: criteria provided, single submitter. Criteria: Invitae Variant Classification Sherloc (09022015). Collection method: clinical testing. Allele origin: germline.
Comment: This sequence change replaces glutamic acid, which is acidic and polar, with glutamine, which is neutral and polar, at codon 789 of the SPG7 protein (p.Glu789Gln). This variant is present in population databases (rs372033226, gnomAD 0.003%). This variant has not been reported in the literature in individuals affected with SPG7-related conditions. ClinVar contains an entry for this variant (Variation ID: 2206225). Invitae Evidence Modeling of protein sequence and biophysical properties (such as structural, functional, and spatial information, amino acid conservation, physicochemical variation, residue mobility, and thermodynamic stability) indicates that this missense variant is not expected to disrupt SPG7 protein function with a negative predictive value of 95%. In summary, the available evidence is currently insufficient to determine the role of this variant in disease. Therefore, it has been classified as a Variant of Uncertain Significance.

Ambry Genetics
Classification: Uncertain significance for Inborn genetic diseases. Last evaluated: 2021-10-26. Review status: criteria provided, single submitter. Criteria: Ambry Variant Classification Scheme 2023. Collection method: clinical testing. Allele origin: germline.